The following is an entry in ClinVar:

ClinVar aggregate classification (germline): Uncertain significance (1 of 4 stars; one submission).

Conditions:
Cardiovascular phenotype. Identifiers: MedGen CN230736.

gnomAD v4.1: 1 of 1,614,188 alleles (0.000062%); highest among the groups gnomAD compares: Non-Finnish European, 0.000085%; no homozygotes.

Submission:

Ambry Genetics
Classification: Uncertain significance for Cardiovascular phenotype. Last evaluated: 2024-08-19. Review status: criteria provided, single submitter. Criteria: Ambry Variant Classification Scheme 2023. Collection method: clinical testing. Allele origin: germline.
Comment: The p.K921E variant (also known as c.2761A>G), located in coding exon 18 of the APOB gene, results from an A to G substitution at nucleotide position 2761. The lysine at codon 921 is replaced by glutamic acid, an amino acid with similar properties. This amino acid position is conserved. In addition, this alteration is predicted to be tolerated by in silico analysis. Based on the available evidence, the clinical significance of this variant remains unclear.

NM_000384.3(APOB):c.2761A>G (p.Lys921Glu)

Gene: APOB (apolipoprotein B; minus strand). Cytogenetic location: 2p24.1.
Variant type: single nucleotide variant.
Coding change: c.2761A>G on transcript NM_000384.3 (MANE Select); coding-DNA position 2761, A replaced by G.
Protein change: p.Lys921Glu; replaces lysine 921 with glutamic acid.
Molecular consequence: missense variant.
Genome position (GRCh38, 1-based): chr2:21,022,886, T>C on the plus strand (A>G on the coding strand, the complement: APOB is on the minus strand). VCF-style: chr2-21022886-T-C. GRCh37 (hg19) VCF-style: chr2-21245758-T-C.
Other names: short protein forms K921E.
Identifiers: ClinVar variation 3415858 (VCV003415858.1).